The following is an entry in ClinVar:

ClinVar aggregate classification (germline): Uncertain significance (1 of 4 stars; one submission).

Conditions:
Congenital glucose-galactose malabsorption (GGM). Also called: DIARRHEA 16; MONOSACCHARIDE MALABSORPTION. Identifiers: Orphanet 35710, MedGen C0268186, MONDO:0011731, OMIM 606824.

Submission:

Labcorp Genetics (formerly Invitae), Labcorp
Classification: Uncertain significance for Congenital glucose-galactose malabsorption. Last evaluated: 2023-10-15. Review status: criteria provided, single submitter. Criteria: Invitae Variant Classification Sherloc (09022015). Collection method: clinical testing. Allele origin: germline.
Comment: This variant results in a copy number gain of the genomic region encompassing exon(s) 14-15 of the SLC5A1 gene. This region includes the termination codon of the gene. This copy number gain extends beyond the assayed region for this gene and therefore may encompass additional genes. As the precise location of this event is unknown, it may be in tandem or it may be located elsewhere in the genome. This variant has not been reported in the literature in individuals affected with SLC5A1-related conditions. Experimental studies and prediction algorithms are not available or were not evaluated, and the functional significance of this variant is currently unknown. In summary, the available evidence is currently insufficient to determine the role of this variant in disease. Therefore, it has been classified as a Variant of Uncertain Significance.

NC_000022.10:g.(?_32500753)_(32894517_?)dup

Genes: SLC5A1 (solute carrier family 5 member 1; plus strand), RFPL3 (ret finger protein like 3; plus strand), FBXO7 (F-box protein 7; plus strand), BPIFC (BPI fold containing family C; minus strand), C22orf42 (chromosome 22 open reading frame 42; minus strand) and 4 more. Cytogenetic location: 22q12.3.
Variant type: Duplication.
Identifiers: ClinVar variation 2422938 (VCV002422938.4).